The following is an entry in ClinVar:

ClinVar aggregate classification (germline): Uncertain significance (1 of 4 stars; one submission).

Conditions:
Immunodeficiency 67. Also called: Immunodeficiency due to interleukin-1 receptor-associated kinase-4 deficiency. Identifiers: Orphanet 70592, MedGen C1843256, MONDO:0011888, OMIM 607676.

Allele frequency attached by ClinVar (database versions not stated): gnomAD exomes 0.00001; ExAC 0.00002.
gnomAD v4.1: 3 of 1,610,072 alleles (0.00019%); highest among the groups gnomAD compares: South Asian, 0.0033%; no homozygotes.

Submission:

Labcorp Genetics (formerly Invitae), Labcorp
Classification: Uncertain significance for Immunodeficiency 67. Last evaluated: 2024-10-25. Review status: criteria provided, single submitter. Criteria: Invitae Variant Classification Sherloc (09022015). Collection method: clinical testing. Allele origin: germline.
Comment: This sequence change replaces lysine, which is basic and polar, with asparagine, which is neutral and polar, at codon 174 of the IRAK4 protein (p.Lys174Asn). This variant is present in population databases (rs771324378, gnomAD 0.007%). This variant has not been reported in the literature in individuals affected with IRAK4-related conditions. ClinVar contains an entry for this variant (Variation ID: 1354200). Invitae Evidence Modeling of protein sequence and biophysical properties (such as structural, functional, and spatial information, amino acid conservation, physicochemical variation, residue mobility, and thermodynamic stability) indicates that this missense variant is not expected to disrupt IRAK4 protein function with a negative predictive value of 80%. In summary, the available evidence is currently insufficient to determine the role of this variant in disease. Therefore, it has been classified as a Variant of Uncertain Significance.

NM_016123.4(IRAK4):c.522G>T (p.Lys174Asn)

Gene: IRAK4 (interleukin 1 receptor associated kinase 4; plus strand). Cytogenetic location: 12q12.
Variant type: single nucleotide variant.
Coding change: c.522G>T on transcript NM_016123.4 (MANE Select); coding-DNA position 522, G replaced by T.
Protein change: p.Lys174Asn; replaces lysine 174 with asparagine.
Molecular consequence: missense variant. On other transcripts: 5 prime UTR variant (2).
Genome position (GRCh38, 1-based): chr12:43,772,943, G>T. VCF-style: chr12-43772943-G-T. GRCh37 (hg19) VCF-style: chr12-44166746-G-T.
Other names: c.522G>T, p.Lys174Asn (NM_001114182.3, NM_001351345.2); c.150G>T, p.Lys50Asn (NM_001145256.2, NM_001145257.2, NM_001145258.2 and 5 more transcripts); c.-2G>T (NM_001351343.2, NM_001351344.2); short protein forms K50N, K174N.
Identifiers: ClinVar variation 1354200 (VCV001354200.8), dbSNP rs771324378, ClinGen allele CA6522399.
Genomic context (GRCh38, chr12:43,772,943, plus strand): 5'-TTAAGCATGTTTTTCTTATTTTGACATAGGTTTTCACAGTTTTTCATTTTATGAATTGAA[G>T]AATGTCACAAATAACTTTGATGAACGACCCATTTCTGTTGGTGGTAATAAAATGGGAGAG-3'
Protein context (NP_057207.2, residues 164-184): RFHSFSFYEL[Lys174Asn]NVTNNFDERP